The following is an entry in ClinVar:

ClinVar aggregate classification (germline): Uncertain significance (1 of 4 stars; one submission).

Conditions:
Congenital disorder of glycosylation type 1E (CDG1E). Also called: CONGENITAL DISORDER OF GLYCOSYLATION, TYPE Ie; CDG Ie. Identifiers: Orphanet 79322, MedGen C1837396, MONDO:0012123, OMIM 608799.

gnomAD v4.1: 36 of 1,613,940 alleles (0.0022%); highest among the groups gnomAD compares: Non-Finnish European, 0.000085%; no homozygotes.

Submission:

Labcorp Genetics (formerly Invitae), Labcorp
Classification: Uncertain significance for Congenital disorder of glycosylation type 1E. Last evaluated: 2022-05-28. Review status: criteria provided, single submitter. Criteria: Invitae Variant Classification Sherloc (09022015). Collection method: clinical testing. Allele origin: germline.
Comment: In summary, the available evidence is currently insufficient to determine the role of this variant in disease. Therefore, it has been classified as a Variant of Uncertain Significance. Algorithms developed to predict the effect of missense changes on protein structure and function output the following: SIFT: "Tolerated"; PolyPhen-2: "Not Available"; Align-GVGD: "Class C0". The glycine amino acid residue is found in multiple mammalian species, which suggests that this missense change does not adversely affect protein function. This variant has not been reported in the literature in individuals affected with DPM1-related conditions. This variant is present in population databases (rs768184749, gnomAD 0.04%). This sequence change replaces arginine, which is basic and polar, with glycine, which is neutral and non-polar, at codon 23 of the DPM1 protein (p.Arg23Gly).

NM_003859.3(DPM1):c.67C>G (p.Arg23Gly)

Genes: DPM1 (dolichyl-phosphate mannosyltransferase subunit 1, catalytic; minus strand), LOC130066166 (ATAC-STARR-seq lymphoblastoid active region 18108; plus strand). Cytogenetic location: 20q13.13.
Variant type: single nucleotide variant.
Coding change: c.67C>G on transcript NM_003859.3 (MANE Select); coding-DNA position 67, C replaced by G.
Protein change: p.Arg23Gly; replaces arginine 23 with glycine.
Molecular consequence: missense variant. On other transcripts: non-coding transcript variant (1).
Genome position (GRCh38, 1-based): chr20:50,958,457, G>C on the plus strand (C>G on the coding strand, the complement: DPM1 is on the minus strand). VCF-style: chr20-50958457-G-C. GRCh37 (hg19) VCF-style: chr20-49574994-G-C.
Other names: c.67C>G, p.Arg23Gly (NM_001317034.1, NM_001317035.1, NM_001317036.1); short protein forms R23G.
Identifiers: ClinVar variation 1982498 (VCV001982498.4), dbSNP rs768184749, ClinGen allele CA9909244.
Genomic context (GRCh38, chr20:50,958,457, plus strand): 5'-TGAGCGGCAGGTTCTCGCGCTCGTTGTAGGTAGGTAAAAGCACCGAATATTTGTTCTGTC[G>C]TGGACTGCGCACTTCCAGCTCCCGCCGAGACCTGCGAGGACTACGACTGACTTCCAAGGA-3'
Protein context (NP_003850.1, residues 13-33): SRRELEVRSP[Arg23Gly]QNKYSVLLPT